The following is an entry in ClinVar:

NM_033056.4(PCDH15):c.4987dup (p.Cys1663fs)

Gene: PCDH15 (protocadherin related 15; minus strand). Cytogenetic location: 10q21.1.
Variant type: Duplication.
Coding change: c.4987dup on transcript NM_033056.4 (MANE Plus Clinical); coding-DNA position 4987, one base duplicated (T; older notation c.4987dupT).
Protein change: p.Cys1663fs; shifts the reading frame from cysteine 1663.
Molecular consequence: frameshift variant. On other transcripts: intron variant (8).
Genome position (GRCh38, 1-based): chr10:53,822,739, A duplicated on the plus strand (T on the coding strand, the reverse complement: PCDH15 is on the minus strand); the first of 4 consecutive A bases (chr10:53,822,739-53,822,742); duplicating any one gives the same sequence. VCF-style (leftmost placement, unchanged base first): chr10-53822738-C-CA. GRCh37 (hg19) VCF-style: chr10-55582498-C-CA.
Other names: c.4987dupT (NM_033056.3); c.5008dup, p.Cys1670fs (NM_001142763.2); c.4993dup, p.Cys1665fs (NM_001142764.2); c.4780dup, p.Cys1594fs (NM_001142765.2); c.4978dup, p.Cys1660fs (NM_001142766.2); c.4867dup, p.Cys1623fs (NM_001142767.2); c.4927dup, p.Cys1643fs (NM_001142768.2); c.4918dup, p.Cys1640fs (NM_001142773.2); and 7 more; short protein forms C1640fs, C1643fs, C1623fs, C1641fs, C1663fs, C1665fs, C1670fs, C1660fs.
Identifiers: ClinVar variation 553676 (VCV000553676.4), dbSNP rs775238614, ClinGen allele CA207219849.

ClinVar aggregate classification (germline): Uncertain significance. Review status: criteria provided, single submitter (1 of 4 stars). 2 submissions from 2 submitters: Uncertain significance (1). 1 of the submissions does not count toward it. Last evaluated 2022-09-06.

Conditions:
Usher syndrome type 1F (USH1F). Also called: USHER SYNDROME, TYPE IF. Identifiers: Orphanet 231169, Orphanet 886, MedGen C1865885, MONDO:0011186, OMIM 602083.

Submissions (2):

Labcorp Genetics (formerly Invitae), Labcorp
Classification: Uncertain significance. Last evaluated: 2022-09-06. Review status: criteria provided, single submitter. Criteria: Invitae Variant Classification Sherloc (09022015). Collection method: clinical testing. Allele origin: germline.
Comment: This sequence change creates a premature translational stop signal (p.Cys1663Leufs*26) in the PCDH15 gene. While this is not anticipated to result in nonsense mediated decay, it is expected to disrupt the last 293 amino acid(s) of the PCDH15 protein. This variant is not present in population databases (gnomAD no frequency). This variant has not been reported in the literature in individuals affected with PCDH15-related conditions. ClinVar contains an entry for this variant (Variation ID: 553676). In summary, the available evidence is currently insufficient to determine the role of this variant in disease. Therefore, it has been classified as a Variant of Uncertain Significance.

Counsyl
Classification: Uncertain significance for Usher syndrome type 1F. Last evaluated: 2017-09-12. Review status: no assertion criteria provided. Collection method: clinical testing. Allele origin: unknown. Not counted in ClinVar's aggregate classification.